The following is an entry in ClinVar:

NM_000218.3(KCNQ1):c.1514+3779C>T

Genes: KCNQ1 (potassium voltage-gated channel subfamily Q member 1; plus strand), KCNQ1OT1 (KCNQ1 opposite strand/antisense transcript 1; minus strand). Cytogenetic location: 11p15.5.
Variant type: single nucleotide variant.
Coding change: c.1514+3779C>T on transcript NM_000218.3 (MANE Select); 3779 bases into the intron after coding-DNA position 1514, C replaced by T.
Molecular consequence: intron variant. On other transcripts: non-coding transcript variant (1).
Genome position (GRCh38, 1-based): chr11:2,665,860, C>T. VCF-style: chr11-2665860-C-T. GRCh37 (hg19) VCF-style: chr11-2687090-C-T.
Other names: c.1244+3779C>T (NM_001406837.1); c.1418+3779C>T (NM_001406836.1); c.974+3779C>T (NM_001406838.1); c.1133+3779C>T (NM_181798.2).
Identifiers: ClinVar variation 2641457 (VCV002641457.24), dbSNP rs541051780, ClinGen allele CA216174391.
Genomic context (GRCh38, chr11:2,665,860, plus strand): 5'-CAAGGACTGCAGACACATTGTGCCAGTGCTGAGGCACAGGGCTAGGGGCCTGAGGATCTG[C>T]GGCTCTGAACTTGGGGGCTGTGTGCAGGTGTGGCCTGGGTGAGCTTCTCCAAGCAACCCT-3'

ClinVar aggregate classification (germline): Benign (1 of 4 stars; one submission).

Allele frequency attached by ClinVar (database versions not stated): gnomAD 0.00058; TOPMed 0.00067; gnomAD exomes 0.00106.
gnomAD v4.1: 341 of 398,596 alleles (0.086%); highest among the groups gnomAD compares: Non-Finnish European, 0.14%; 1 homozygote.

Submission:

CeGaT Center for Human Genetics Tuebingen
Classification: Benign. Last evaluated: 2025-03-01. Review status: criteria provided, single submitter. Criteria: CeGaT Center For Human Genetics Tuebingen Variant Classification Criteria Version 2. Collection method: clinical testing. Allele origin: germline. Affected: yes. Observed: 2 variant alleles.
Comment: KCNQ1OT1: BS1, BS2